The following is an entry in ClinVar:

ClinVar aggregate classification (germline): Benign (0 of 4 stars; one submission).

Conditions:
CUX1-related disorder. Also called: CUX1-related condition.

Allele frequency attached by ClinVar (database versions not stated): gnomAD exomes 0.00014; ExAC 0.00048; ESP Exome Variant Server 0.00092; 1000 Genomes Project 30x 0.00094; 1000 Genomes Project 0.00120; gnomAD 0.00129; TOPMed 0.00160.
gnomAD v4.1: 413 of 1,614,134 alleles (0.026%); highest among the groups gnomAD compares: African/African-American, 0.49%; no homozygotes.

Submission:

PreventionGenetics, part of Exact Sciences
Classification: Benign for CUX1-related condition. Last evaluated: 2019-11-14. Review status: no assertion criteria provided. Collection method: clinical testing. Allele origin: germline.
Comment: This variant is classified as benign based on ACMG/AMP sequence variant interpretation guidelines (Richards et al. 2015 PMID: 25741868, with internal and published modifications).

NM_181552.4(CUX1):c.2148G>A (p.Glu716=)

Gene: CUX1 (cut like homeobox 1; plus strand). Cytogenetic location: 7q22.1.
Variant type: single nucleotide variant.
Coding change: c.2148G>A on transcript NM_181552.4 (MANE Select); coding-DNA position 2148, G replaced by A.
Protein change: p.Glu716=; no amino-acid change (glutamic acid 716 retained).
Molecular consequence: synonymous variant. On other transcripts: intron variant (5).
Genome position (GRCh38, 1-based): chr7:102,201,445, G>A. VCF-style: chr7-102201445-G-A. GRCh37 (hg19) VCF-style: chr7-101844725-G-A.
Other names: c.2181G>A, p.Glu727= (NM_001202543.2); c.1255+5842G>A (NM_001913.5); c.1249+5842G>A (NM_181500.4); c.1117+5842G>A (NM_001202545.3); c.1207+5842G>A (NM_001202544.3); c.1138+5842G>A (NM_001202546.3).
Identifiers: ClinVar variation 3039618 (VCV003039618.2), dbSNP rs149875104, ClinGen allele CA4411000.